The following is an entry in ClinVar:

NM_001104631.2(PDE4D):c.1831-7A>G

Gene: PDE4D (phosphodiesterase 4D; minus strand). Cytogenetic location: 5q11.2.
Variant type: single nucleotide variant.
Coding change: c.1831-7A>G on transcript NM_001104631.2 (MANE Select); 7 bases into the intron before coding-DNA position 1831, A replaced by G.
Molecular consequence: intron variant.
Genome position (GRCh38, 1-based): chr5:58,975,846, T>C on the plus strand (A>G on the coding strand, the complement: PDE4D is on the minus strand). VCF-style: chr5-58975846-T-C. GRCh37 (hg19) VCF-style: chr5-58271673-T-C.
Other names: c.1648-7A>G (NM_001364599.1, NM_001165899.2); c.1063-7A>G (NM_001349243.2, NM_001364604.1); c.1618-7A>G (NM_001349241.2); c.1639-7A>G (NM_001197218.2); c.925-7A>G (NM_001364603.1, NM_001197221.2); c.1423-7A>G (NM_006203.5); c.1501-7A>G (NM_001349242.2); c.1465-7A>G (NM_001197219.2); and 3 more.
Identifiers: ClinVar variation 353986 (VCV000353986.8), dbSNP rs766871489, ClinGen allele CA3275975.
Genomic context (GRCh38, chr5:58,975,846, plus strand): 5'-GAGAGGCTTTGTTGGGTTGCTCAGATCTGCACAGTGCACCATATTCTGAAGAACCTAAAA[T>C]AGATGGATGCATTCTCTATTCACTCCTGTTCCTTTTTTTTAAAAAAAAAAACAAAAAAAA-3'

ClinVar aggregate classification (germline): Likely benign. Review status: criteria provided, multiple submitters, no conflicts (2 of 4 stars). 2 submissions from 2 submitters: Likely benign (2). Last evaluated 2025-03-27.

Conditions:
Acrodysostosis 2 with or without hormone resistance. Also called: ACRODYSOSTOSIS 2 WITH HORMONE RESISTANCE; ACRODYSOSTOSIS 2 WITHOUT HORMONE RESISTANCE. Identifiers: Orphanet 280651, MedGen C3553250, MONDO:0013822, OMIM 614613.

Allele frequency attached by ClinVar (database versions not stated): gnomAD 0.00002; gnomAD exomes 0.00002 and 0.00007; ExAC 0.00003; TOPMed 0.00003.
gnomAD v4.1: 96 of 1,451,018 alleles (0.0066%); highest among the groups gnomAD compares: Non-Finnish European, 0.0084%; no homozygotes.

Submissions (2):

Labcorp Genetics (formerly Invitae), Labcorp
Classification: Likely benign. Last evaluated: 2025-03-27. Review status: criteria provided, single submitter. Criteria: Invitae Variant Classification Sherloc (09022015). Collection method: clinical testing. Allele origin: germline.

Illumina Laboratory Services, Illumina
Classification: Likely benign for Acrodysostosis 2 with or without hormone resistance. Last evaluated: 2018-01-13. Review status: criteria provided, single submitter. Criteria: ICSL Variant Classification Criteria 13 December 2019. Collection method: clinical testing. Allele origin: germline.
Comment: This variant was observed in the ICSL laboratory as part of a predisposition screen in an ostensibly healthy population. It had not been previously curated by ICSL or reported in the Human Gene Mutation Database (HGMD: prior to June 1st, 2018), and was therefore a candidate for classification through an automated scoring system. Utilizing variant allele frequency, disease prevalence and penetrance estimates, and inheritance mode, an automated score was calculated to assess if this variant is too frequent to cause the disease. Based on the score and internal cut-off values, a variant classified as likely benign is not then subjected to further curation. The score for this variant resulted in a classification of likely benign for this disease.